The following is an entry in ClinVar:

ClinVar aggregate classification (germline): Uncertain significance (1 of 4 stars; one submission).

Conditions:
RYR1-related disorder. Also called: RYR1-related condition; RYR1-related disorders. Identifiers: MedGen CN239331.

Submission:

Labcorp Genetics (formerly Invitae), Labcorp
Classification: Uncertain significance for RYR1-related disorder. Last evaluated: 2023-12-11. Review status: criteria provided, single submitter. Criteria: Invitae Variant Classification Sherloc (09022015). Collection method: clinical testing. Allele origin: germline.
Comment: This sequence change replaces methionine, which is neutral and non-polar, with arginine, which is basic and polar, at codon 1229 of the RYR1 protein (p.Met1229Arg). This variant is not present in population databases (gnomAD no frequency). This variant has not been reported in the literature in individuals affected with RYR1-related conditions. ClinVar contains an entry for this variant (Variation ID: 2159067). Advanced modeling of protein sequence and biophysical properties (such as structural, functional, and spatial information, amino acid conservation, physicochemical variation, residue mobility, and thermodynamic stability) has been performed at Invitae for this missense variant, however the output from this modeling did not meet the statistical confidence thresholds required to predict the impact of this variant on RYR1 protein function. In summary, the available evidence is currently insufficient to determine the role of this variant in disease. Therefore, it has been classified as a Variant of Uncertain Significance.

NM_000540.3(RYR1):c.3686T>G (p.Met1229Arg)

Gene: RYR1 (ryanodine receptor 1; plus strand). Cytogenetic location: 19q13.2.
Variant type: single nucleotide variant.
Coding change: c.3686T>G on transcript NM_000540.3 (MANE Select); coding-DNA position 3686, T replaced by G.
Protein change: p.Met1229Arg; replaces methionine 1229 with arginine.
Molecular consequence: missense variant.
Genome position (GRCh38, 1-based): chr19:38,469,434, T>G. VCF-style: chr19-38469434-T-G. GRCh37 (hg19) VCF-style: chr19-38960074-T-G.
Other names: c.3686T>G, p.Met1229Arg (NM_001042723.2); short protein forms M1229R.
Identifiers: ClinVar variation 2159067 (VCV002159067.4), dbSNP rs750057461, ClinGen allele CA405639615.